The following is an entry in ClinVar:

NM_004612.4(TGFBR1):c.650G>T (p.Gly217Val)

Gene: TGFBR1 (transforming growth factor beta receptor 1; plus strand). Cytogenetic location: 9q22.33.
Variant type: single nucleotide variant.
Coding change: c.650G>T on transcript NM_004612.4 (MANE Select); coding-DNA position 650, G replaced by T.
Protein change: p.Gly217Val; replaces glycine 217 with valine.
Molecular consequence: missense variant.
Genome position (GRCh38, 1-based): chr9:99,137,934, G>T. VCF-style: chr9-99137934-G-T. GRCh37 (hg19) VCF-style: chr9-101900216-G-T.
Other names: c.419G>T, p.Gly140Val (NM_001130916.3); c.662G>T, p.Gly221Val (NM_001306210.2, NM_001407416.1); c.650G>T, p.Gly217Val (NM_001407417.1); c.455G>T, p.Gly152Val (NM_001407418.1, NM_001407419.1, NM_001407420.1 and 1 more transcripts); c.443G>T, p.Gly148Val (NM_001407423.1, NM_001407424.1, NM_001407425.1 and 8 more transcripts); c.404G>T, p.Gly135Val (NM_001407436.1); c.173G>T, p.Gly58Val (NM_001407438.1); short protein forms G135V, G140V, G58V, G148V, G152V, G217V, G221V.
Identifiers: ClinVar variation 1917876 (VCV001917876.5), dbSNP rs2118712174, ClinGen allele CA374229562.
Genomic context (GRCh38, chr9:99,137,934, plus strand): 5'-TTCAGAGAACAATTGCGAGAACTATTGTGTTACAAGAAAGCATTGGCAAAGGTCGATTTG[G>T]AGAAGTTTGGAGAGGAAAGTGGCGGGGAGAAGAAGTTGCTGTTAAGATATTCTCCTCTAG-3'
Protein context (NP_004603.1, residues 207-227): LQESIGKGRF[Gly217Val]EVWRGKWRGE

ClinVar aggregate classification (germline): Uncertain significance (1 of 4 stars; one submission).

Conditions:
Familial thoracic aortic aneurysm and aortic dissection (TAAD). Also called: Thoracic aortic aneurysms and dissections. Identifiers: Orphanet 91387, MedGen C4707243, MONDO:0019625.

Submission:

Labcorp Genetics (formerly Invitae), Labcorp
Classification: Uncertain significance for Familial thoracic aortic aneurysm and aortic dissection. Last evaluated: 2024-03-25. Review status: criteria provided, single submitter. Criteria: Invitae Variant Classification Sherloc (09022015). Collection method: clinical testing. Allele origin: germline.
Comment: This sequence change replaces glycine, which is neutral and non-polar, with valine, which is neutral and non-polar, at codon 217 of the TGFBR1 protein (p.Gly217Val). This variant is not present in population databases (gnomAD no frequency). This missense change has been observed in individuals with clinical features of Loeys-Dietz syndrome (PMID: 31569402, 32352226; Invitae). ClinVar contains an entry for this variant (Variation ID: 1917876). Advanced modeling of protein sequence and biophysical properties (such as structural, functional, and spatial information, amino acid conservation, physicochemical variation, residue mobility, and thermodynamic stability) performed at Invitae indicates that this missense variant is expected to disrupt TGFBR1 protein function with a positive predictive value of 80%. In summary, the available evidence is currently insufficient to determine the role of this variant in disease. Therefore, it has been classified as a Variant of Uncertain Significance.

Literature cited by the submitters: PubMed 31569402; PubMed 32352226.